The following is an entry in ClinVar:

NM_001105206.3(LAMA4):c.3854C>T (p.Ser1285Leu)

Gene: LAMA4 (laminin subunit alpha 4; minus strand). Cytogenetic location: 6q21.
Variant type: single nucleotide variant.
Coding change: c.3854C>T on transcript NM_001105206.3 (MANE Select); coding-DNA position 3854, C replaced by T.
Protein change: p.Ser1285Leu; replaces serine 1285 with leucine.
Molecular consequence: missense variant.
Genome position (GRCh38, 1-based): chr6:112,131,082, G>A on the plus strand (C>T on the coding strand, the complement: LAMA4 is on the minus strand). VCF-style: chr6-112131082-G-A. GRCh37 (hg19) VCF-style: chr6-112452284-G-A.
Other names: c.3833C>T, p.Ser1278Leu (NM_001105207.3, NM_002290.5); c.3833C>T (NM_002290.3); short protein forms S1278L, S1285L.
Identifiers: ClinVar variation 1677491 (VCV001677491.2), dbSNP rs2114646926, ClinGen allele CA365374318.

ClinVar aggregate classification (germline): Uncertain significance. Review status: criteria provided, multiple submitters, no conflicts (2 of 4 stars). 2 submissions from 2 submitters: Uncertain significance (2). Last evaluated 2026-04-27.

Conditions:
Cardiovascular phenotype. Identifiers: MedGen CN230736.

Allele frequency attached by ClinVar (database versions not stated): gnomAD exomes below 0.00001.
gnomAD v4.1: 2 of 1,613,020 alleles (0.00012%); highest among the groups gnomAD compares: Non-Finnish European, 0.00017%; no homozygotes.

Submissions (2):

Ambry Genetics
Classification: Uncertain significance for Cardiovascular phenotype. Last evaluated: 2026-04-27. Review status: criteria provided, single submitter. Criteria: Ambry Variant Classification Scheme 2023. Collection method: clinical testing. Allele origin: germline.
Comment: The p.S1278L variant (also known as c.3833C>T), located in coding exon 28 of the LAMA4 gene, results from a C to T substitution at nucleotide position 3833. The serine at codon 1278 is replaced by leucine, an amino acid with dissimilar properties. This amino acid position is conserved. In addition, this alteration is predicted to be deleterious by in silico analysis. Based on the available evidence, the clinical significance of this variant remains unclear.

AiLife Diagnostics
Classification: Uncertain significance. Last evaluated: 2021-09-08. Review status: criteria provided, single submitter. Criteria: ACMG Guidelines, 2015. Collection method: clinical testing. Allele origin: germline. Affected: yes. Observed: 1 variant allele.